The following is an entry in ClinVar:

ClinVar aggregate classification (germline): Benign/Likely benign. Review status: criteria provided, multiple submitters, no conflicts (2 of 4 stars). 3 submissions from 3 submitters: Benign (1); Likely benign (1). 1 of the submissions does not count toward it. Last evaluated 2025-01-12.

Conditions:
Familial cancer of breast. Also called: BREAST CANCER, FAMILIAL; hereditary breast carcinoma; Hereditary breast cancer. Identifiers: Orphanet 227535, MedGen C0346153, MONDO:0016419, OMIM 114480. Disease mechanism: loss of function.
Ataxia-telangiectasia syndrome (AT). Also called: ATAXIA-TELANGIECTASIA, COMPLEMENTATION GROUP A; ATAXIA-TELANGIECTASIA, FRESNO VARIANT; Ataxia-telangiectasia; Ataxia telangiectasia (A-T); LOUIS-BAR SYNDROME; Ataxia-telangiectasia, complementation group D. Identifiers: Orphanet 100, MedGen C0004135, MONDO:0008840, OMIM 208900.

Allele frequency attached by ClinVar (database versions not stated): gnomAD exomes below 0.00001 and 0.00001; ExAC 0.00001.
gnomAD v4.1: 2 of 1,613,948 alleles (0.00012%); highest among the groups gnomAD compares: Admixed American, 0.0033%; no homozygotes.

Submissions (3):

Labcorp Genetics (formerly Invitae), Labcorp
Classification: Likely benign for Ataxia-telangiectasia syndrome. Last evaluated: 2025-01-12. Review status: criteria provided, single submitter. Criteria: Invitae Variant Classification Sherloc (09022015). Collection method: clinical testing. Allele origin: germline.

Myriad Genetics, Inc.
Classification: Benign for Familial cancer of breast. Last evaluated: 2024-04-24. Review status: criteria provided, single submitter. Criteria: Myriad Autosomal Dominant, Autosomal Recessive and X-Linked Classification Criteria (2023). Collection method: clinical testing. Allele origin: unknown.
Comment: This variant is considered benign. This variant is a silent/synonymous amino acid change and it is not expected to impact splicing.

Natera, Inc.
Classification: Uncertain significance for Ataxia-telangiectasia. Last evaluated: 2025-03-18. Review status: no assertion criteria provided. Collection method: clinical testing. Allele origin: germline. Not counted in ClinVar's aggregate classification.

NM_000051.4(ATM):c.1029A>G (p.Glu343=)

Gene: ATM (ATM serine/threonine kinase; plus strand). Cytogenetic location: 11q22.3.
Variant type: single nucleotide variant.
Coding change: c.1029A>G on transcript NM_000051.4 (MANE Select); coding-DNA position 1029, A replaced by G.
Protein change: p.Glu343=; no amino-acid change (glutamic acid 343 retained).
Molecular consequence: synonymous variant.
Genome position (GRCh38, 1-based): chr11:108,247,091, A>G. VCF-style: chr11-108247091-A-G. GRCh37 (hg19) VCF-style: chr11-108117818-A-G.
Other names: c.1029A>G (NM_000051.3); c.1029A>G, p.Glu343= (NM_001351834.2).
Identifiers: ClinVar variation 1091482 (VCV001091482.11), dbSNP rs778388800, ClinGen allele CA6264722.